The following is an entry in ClinVar:

NM_000135.4(FANCA):c.2222+5A>G

Gene: FANCA (FA complementation group A; minus strand). Cytogenetic location: 16q24.3.
Variant type: single nucleotide variant.
Coding change: c.2222+5A>G on transcript NM_000135.4 (MANE Select); 5 bases into the intron after coding-DNA position 2222, A replaced by G.
Molecular consequence: intron variant.
Genome position (GRCh38, 1-based): chr16:89,770,559, T>C on the plus strand (A>G on the coding strand, the complement: FANCA is on the minus strand). VCF-style: chr16-89770559-T-C. GRCh37 (hg19) VCF-style: chr16-89836967-T-C.
Other names: c.2222+5A>G (NM_001286167.3).
Identifiers: ClinVar variation 1935749 (VCV001935749.2), dbSNP rs2544198927, ClinGen allele CA2580092354.

ClinVar aggregate classification (germline): Uncertain significance (1 of 4 stars; one submission).

Conditions:
Fanconi anemia (FA). Also called: Fanconi's anemia. Identifiers: Orphanet 84, MedGen C0015625, MeSH D005199, MONDO:0019391.

Submission:

Labcorp Genetics (formerly Invitae), Labcorp
Classification: Uncertain significance for Fanconi anemia. Last evaluated: 2021-03-13. Review status: criteria provided, single submitter. Criteria: Invitae Variant Classification Sherloc (09022015). Collection method: clinical testing. Allele origin: germline.
Comment: This sequence change falls in intron 24 of the FANCA gene. It does not directly change the encoded amino acid sequence of the FANCA protein. It affects a nucleotide within the consensus splice site of the intron. This variant is not present in population databases (ExAC no frequency). This variant has not been reported in the literature in individuals with FANCA-related conditions. Nucleotide substitutions within the consensus splice site are a relatively common cause of aberrant splicing (PMID: 17576681, 9536098). Algorithms developed to predict the effect of sequence changes on RNA splicing suggest that this variant may create or strengthen a splice site, but this prediction has not been confirmed by published transcriptional studies. In summary, the available evidence is currently insufficient to determine the role of this variant in disease. Therefore, it has been classified as a Variant of Uncertain Significance.

Literature cited by the submitters: PubMed 17576681; PubMed 9536098.